The following is an entry in ClinVar:

ClinVar aggregate classification (germline): Pathogenic (1 of 4 stars; one submission).

Conditions:
Osteogenesis imperfecta type III (OI3). Also called: Osteogenesis imperfecta type 3; OI type 3; Osteogenesis imperfecta, progressively deforming with normal sclerae; OI type III; Progressively Deforming Osteogenesis Imperfecta. Identifiers: Orphanet 216812, Orphanet 666, MedGen C0268362, MONDO:0009804, OMIM 259420.

Submission:

Laboratory of Genetic Skeletal Anomaly, Seoul National University Children's Hospital
Classification: Pathogenic for Osteogenesis imperfecta type III. Last evaluated: 2025-03-01. Review status: criteria provided, single submitter. Criteria: ACMG Guidelines, 2015. Collection method: research. Allele origin: germline. Affected: yes.
Comment: This variant is a novel variant not previously reported in the literature or population databases. It was classified based on available in silico predictions and absence from gnomAD.

NM_000088.4(COL1A1):c.859-1G>T

Genes: COL1A1 (collagen type I alpha 1 chain; minus strand), LOC126862586 (CDK7 strongly-dependent group 2 enhancer GRCh37_chr17:48273702-48274901; plus strand). Cytogenetic location: 17q21.33.
Variant type: single nucleotide variant.
Coding change: c.859-1G>T on transcript NM_000088.4 (MANE Select); the canonical splice acceptor site of the intron before coding-DNA position 859, G replaced by T.
Molecular consequence: splice acceptor variant.
Genome position (GRCh38, 1-based): chr17:50,196,529, C>A on the plus strand (G>T on the coding strand, the complement: COL1A1 is on the minus strand). VCF-style: chr17-50196529-C-A. GRCh37 (hg19) VCF-style: chr17-48273890-C-A.
Identifiers: ClinVar variation 4280680 (VCV004280680.1).